The following is an entry in ClinVar:

NM_000543.5(SMPD1):c.477_483dup (p.Leu162fs)

Gene: SMPD1 (sphingomyelin phosphodiesterase 1; plus strand). Cytogenetic location: 11p15.4.
Variant type: Duplication.
Coding change: c.477_483dup on transcript NM_000543.5 (MANE Select); coding-DNA positions 477 to 483, 7 bases duplicated (TGGCCTG; older notation c.477_483dupTGGCCTG).
Protein change: p.Leu162fs; shifts the reading frame from leucine 162.
Molecular consequence: frameshift variant. On other transcripts: 5 prime UTR variant (1), non-coding transcript variant (1).
Genome position (GRCh38, 1-based): chr11:6,391,542-6,391,548, TGGCCTG duplicated; duplicating any 7 consecutive bases within chr11:6,391,536-6,391,548 gives the same sequence; the c. name uses the placement nearest the transcript's 3' end. VCF-style (leftmost placement, unchanged base first): chr11-6391535-A-AGGCCTGT. GRCh37 (hg19) VCF-style: chr11-6412765-A-AGGCCTGT.
Other names: c.474_480dup, p.Leu161fs (NM_001007593.3); c.477_483dup, p.Leu162fs (NM_001318087.2, NM_001365135.2); c.-485_-479dup (NM_001318088.2); short protein forms L162fs, L161fs.
Identifiers: ClinVar variation 1452689 (VCV001452689.6), dbSNP rs2134009391, ClinGen allele CA2573147171.
Genomic context (GRCh38, chr11:6,391,535, plus strand): 5'-TCCACCTCTTTGAGGATGACATGGTGGAGGTGTGGAGACGCTCAGTGCTGAGCCCATCTG[A>AGGCCTGT]GGCCTGTGGCCTGCTCCTGGGCTCCACCTGTGGGCACTGGGACATTTTCTCATCTTGGAA-3'

ClinVar aggregate classification (germline): Pathogenic (1 of 4 stars; one submission).

Conditions:
Niemann-Pick disease, type A. Also called: SPHINGOMYELIN LIPIDOSIS; SPHINGOMYELINASE DEFICIENCY; Infantile Neurovisceral ASMD (Niemann-Pick Disease Type A; NPD-A). Identifiers: Orphanet 77292, MedGen C0268242, MONDO:0009756, OMIM 257200. Disease mechanism: loss of function.
Niemann-Pick disease, type B. Also called: Chronic Visceral ASMD (Niemann-Pick Disease Type B; NPD-B). Identifiers: Orphanet 77293, MedGen C0268243, MONDO:0011871, OMIM 607616. Disease mechanism: loss of function.

Submission:

Labcorp Genetics (formerly Invitae), Labcorp
Classification: Pathogenic for Niemann-Pick disease, type B; Niemann-Pick disease, type A. Last evaluated: 2021-03-26. Review status: criteria provided, single submitter. Criteria: Invitae Variant Classification Sherloc (09022015). Collection method: clinical testing. Allele origin: germline.
Comment: This variant is not present in population databases (ExAC no frequency). This sequence change creates a premature translational stop signal (p.Leu162Trpfs*33) in the SMPD1 gene. It is expected to result in an absent or disrupted protein product. Loss-of-function variants in SMPD1 are known to be pathogenic (PMID: 12369017, 15221801). This variant has not been reported in the literature in individuals with SMPD1-related conditions. For these reasons, this variant has been classified as Pathogenic.

Literature cited by the submitters: PubMed 12369017; PubMed 15221801.